The following is an entry in ClinVar:

ClinVar aggregate classification (germline): Uncertain significance. Review status: criteria provided, multiple submitters, no conflicts (2 of 4 stars). 4 submissions from 4 submitters: Uncertain significance (4). Last evaluated 2026-02-03.

Conditions:
Nephronophthisis. Also called: Juvenile Nephronophthisis. Identifiers: Orphanet 655, MedGen C0687120, MONDO:0019005, HP:0000090.
Nephronophthisis 4 (NPHP4). Also called: NEPHRONOPHTHISIS 4, JUVENILE. Identifiers: Orphanet 655, MedGen C1847013, MONDO:0011752, OMIM 606966.
Senior-Loken syndrome 4 (SLSN4). Identifiers: Orphanet 3156, MedGen C1846979, MONDO:0011756, OMIM 606996.
NPHP4-related disorder. Also called: NPHP4-related condition; NPHP4-related disorders. Identifiers: MedGen CN239384.

Allele frequency attached by ClinVar (database versions not stated): ExAC 0.00003; TOPMed 0.00004; gnomAD 0.00005.

Submissions (4):

PreventionGenetics, part of Exact Sciences
Classification: Uncertain significance for NPHP4-related condition. Last evaluated: 2026-02-03. Review status: criteria provided, single submitter. Criteria: ACMG Guidelines, 2015. Collection method: clinical testing. Allele origin: germline.
Comment: The NPHP4 c.1129G>A variant is predicted to result in the amino acid substitution p.Val377Ile. To our knowledge, this variant has not been reported in the literature. This variant is reported in 0.0064% of alleles in individuals of European (Non-Finnish) descent in gnomAD. At this time, the clinical significance of this variant is uncertain due to the absence of conclusive functional and genetic evidence.

Blueprint Genetics
Classification: Uncertain significance. Last evaluated: 2024-09-09. Review status: criteria provided, single submitter. Criteria: ACMG Guidelines, 2015. Collection method: clinical testing. Allele origin: germline.

Labcorp Genetics (formerly Invitae), Labcorp
Classification: Uncertain significance for Nephronophthisis. Last evaluated: 2021-11-19. Review status: criteria provided, single submitter. Criteria: Invitae Variant Classification Sherloc (09022015). Collection method: clinical testing. Allele origin: germline.
Comment: This sequence change replaces valine, which is neutral and non-polar, with isoleucine, which is neutral and non-polar, at codon 377 of the NPHP4 protein (p.Val377Ile). This variant is present in population databases (rs751685493, gnomAD 0.006%). This variant has not been reported in the literature in individuals affected with NPHP4-related conditions. Algorithms developed to predict the effect of missense changes on protein structure and function (SIFT, PolyPhen-2, Align-GVGD) all suggest that this variant is likely to be tolerated. In summary, the available evidence is currently insufficient to determine the role of this variant in disease. Therefore, it has been classified as a Variant of Uncertain Significance.

Fulgent Genetics
Classification: Uncertain significance for Nephronophthisis 4; Senior-Loken syndrome 4. Last evaluated: 2021-09-22. Review status: criteria provided, single submitter. Criteria: ACMG Guidelines, 2015. Collection method: clinical testing. Allele origin: unknown.

NM_015102.5(NPHP4):c.1129G>A (p.Val377Ile)

Gene: NPHP4 (nephrocystin 4; minus strand). Cytogenetic location: 1p36.31.
Variant type: single nucleotide variant.
Coding change: c.1129G>A on transcript NM_015102.5 (MANE Select); coding-DNA position 1129, G replaced by A.
Protein change: p.Val377Ile; replaces valine 377 with isoleucine.
Molecular consequence: missense variant. On other transcripts: 5 prime UTR variant (2), non-coding transcript variant (1).
Genome position (GRCh38, 1-based): chr1:5,933,320, C>T on the plus strand (G>A on the coding strand, the complement: NPHP4 is on the minus strand). VCF-style: chr1-5933320-C-T. GRCh37 (hg19) VCF-style: chr1-5993380-C-T.
Other names: c.-238G>A (NM_001291593.2, NM_001291594.2); c.1129G>A (NM_015102.4); short protein forms V377I.
Identifiers: ClinVar variation 1522934 (VCV001522934.6), dbSNP rs751685493, ClinGen allele CA554613.